The following is an entry in ClinVar:

ClinVar aggregate classification (germline): Pathogenic (1 of 4 stars; one submission).

Conditions:
Glutaric aciduria, type 1. Also called: Glutaric Acidemia Type 1; GA I; Glutaricacidemia Type 1; Glutaryl-CoA dehydrogenase deficiency; Glutaric acidemia type I; Glutaricaciduria, type I. Identifiers: Orphanet 25, MedGen C0268595, MONDO:0009281, OMIM 231670.

Submission:

Juno Genomics, Hangzhou Juno Genomics, Inc
Classification: Pathogenic for Glutaric aciduria, type 1. Review status: criteria provided, single submitter. Criteria: ACMG Guidelines, 2015. Collection method: clinical testing. Allele origin: germline.
Comment: Absent from controls (or at extremely low frequency if recessive) in Genome Aggregation Database.;Null variant in a gene where loss of function (LOF) is a known mechanism of disease.;For recessive disorders, detected in trans with a pathogenic variant.

NM_000159.4(GCDH):c.411C>G (p.Tyr137Ter)

Gene: GCDH (glutaryl-CoA dehydrogenase; plus strand). Cytogenetic location: 19p13.13.
Variant type: single nucleotide variant.
Coding change: c.411C>G on transcript NM_000159.4 (MANE Select); coding-DNA position 411, C replaced by G.
Protein change: p.Tyr137Ter; replaces tyrosine 137 with a stop codon.
Molecular consequence: nonsense. On other transcripts: non-coding transcript variant (2).
Genome position (GRCh38, 1-based): chr19:12,893,559, C>G. VCF-style: chr19-12893559-C-G. GRCh37 (hg19) VCF-style: chr19-13004373-C-G.
Other names: c.411C>G, p.Tyr137Ter (NM_013976.5); short protein forms Y137*.
Identifiers: ClinVar variation 5005931 (VCV005005931.2), dbSNP rs780437859.